The following is an entry in ClinVar:

ClinVar aggregate classification (germline): Pathogenic/Likely pathogenic. Review status: criteria provided, multiple submitters, no conflicts (2 of 4 stars). 2 submissions from 2 submitters: Pathogenic (1); Likely pathogenic (1). Last evaluated 2024-02-02.

Conditions:
Neuropathy, hereditary sensory, type 2C. Also called: Hereditary sensory and autonomic neuropathy type IIC; KIF1A-Related HSAN2 (HSAN2C). Identifiers: Orphanet 970, MedGen C3280168, MONDO:0013634, OMIM 614213.
Intellectual disability, autosomal dominant 9 (NESCAVS). Also called: KIF1A-Related Neurodevelopmental Disorder; NESCAV SYNDROME. Identifiers: Orphanet 662367, MedGen C5393830, MONDO:0013656, OMIM 614255.
Hereditary spastic paraplegia 30. Identifiers: Orphanet 101010, MedGen C5235139, MONDO:0012476.
Spastic paraplegia. Identifiers: MedGen C0037772, HP:0001258.

Submissions (2):

Labcorp Genetics (formerly Invitae), Labcorp
Classification: Likely pathogenic for Hereditary spastic paraplegia 30; Neuropathy, hereditary sensory, type 2C; Intellectual disability, autosomal dominant 9. Last evaluated: 2024-02-02. Review status: criteria provided, single submitter. Criteria: Invitae Variant Classification Sherloc (09022015). Collection method: clinical testing. Allele origin: germline.
Comment: This sequence change affects a donor splice site in intron 24 of the KIF1A gene. It is expected to disrupt RNA splicing. Variants that disrupt the donor or acceptor splice site typically lead to a loss of protein function (PMID: 16199547), and loss-of-function variants in KIF1A are known to be pathogenic (PMID: 21820098). This variant is not present in population databases (gnomAD no frequency). This variant has not been reported in the literature in individuals affected with KIF1A-related conditions. ClinVar contains an entry for this variant (Variation ID: 989077). Algorithms developed to predict the effect of sequence changes on RNA splicing suggest that this variant may disrupt the consensus splice site. In summary, the currently available evidence indicates that the variant is pathogenic, but additional data are needed to prove that conclusively. Therefore, this variant has been classified as Likely Pathogenic.

Paris Brain Institute, Inserm - ICM
Classification: Pathogenic for Spastic paraplegia. Review status: criteria provided, single submitter. Criteria: ACMG Guidelines, 2015. Collection method: clinical testing. Allele origin: unknown. Affected: yes. Observed: 1 variant allele.

Literature cited by the submitters: PubMed 16199547 (cited by Labcorp Genetics (formerly Invitae), Labcorp); PubMed 21820098 (cited by Labcorp Genetics (formerly Invitae), Labcorp).

NM_001244008.2(KIF1A):c.2582+1G>A

Gene: KIF1A (kinesin family member 1A; minus strand). Cytogenetic location: 2q37.3.
Variant type: single nucleotide variant.
Coding change: c.2582+1G>A on transcript NM_001244008.2 (MANE Select); the canonical splice donor site of the intron after coding-DNA position 2582, G replaced by A.
Molecular consequence: splice donor variant.
Genome position (GRCh38, 1-based): chr2:240,758,359, C>T on the plus strand (G>A on the coding strand, the complement: KIF1A is on the minus strand). VCF-style: chr2-240758359-C-T. GRCh37 (hg19) VCF-style: chr2-241697776-C-T.
Other names: c.2555+1G>A (NM_001379653.1, NM_001379650.1, NM_001379645.1 and 10 more transcripts); c.2657+1G>A (NM_001379635.1, NM_001330290.2, NM_001379646.1 and 2 more transcripts); c.2630+1G>A (NM_001379637.1, NM_001379648.1); c.2582+1G>A (NM_001320705.2, NM_001379638.1, NM_001330289.2).
Identifiers: ClinVar variation 989077 (VCV000989077.3), dbSNP rs2125874950, ClinGen allele CA351323293.
Genomic context (GRCh38, chr2:240,758,359, plus strand): 5'-CCCCACTGCCATCTCTCTCTCTCAATCTCTCTCTCTGCCAAGGAAGGGAGGAGGCGCCCA[C>T]CTGCCCACCAGCCGGAACCAGGGGAAGCGGTCATAGAAGGGGTCTCCGCCGGTCACCACG-3'